The following is an entry in ClinVar:

ClinVar aggregate classification (germline): Pathogenic (1 of 4 stars; one submission).

Conditions:
Neurodevelopmental disorder with hypotonia, stereotypic hand movements, and impaired language. Also called: Intellectual disability, autosomal dominant 20. Identifiers: Orphanet 228384, Orphanet 664410, MedGen C3150700, MONDO:0013266, OMIM 613443.

Submission:

Labcorp Genetics (formerly Invitae), Labcorp
Classification: Pathogenic for Neurodevelopmental disorder with hypotonia, stereotypic hand movements, and impaired language. Last evaluated: 2025-01-15. Review status: criteria provided, single submitter. Criteria: Invitae Variant Classification Sherloc (09022015). Collection method: clinical testing. Allele origin: germline.
Comment: This sequence change affects a donor splice site in intron 3 of the MEF2C gene. It is expected to disrupt RNA splicing. Variants that disrupt the donor or acceptor splice site typically lead to a loss of protein function (PMID: 16199547), and loss-of-function variants in MEF2C are known to be pathogenic (PMID: 20513142). This variant is not present in population databases (gnomAD no frequency). Disruption of this splice site has been observed in individuals with MEF2C-related conditions (internal data). ClinVar contains an entry for this variant (Variation ID: 946564). Algorithms developed to predict the effect of sequence changes on RNA splicing suggest that this variant may disrupt the consensus splice site. For these reasons, this variant has been classified as Pathogenic.

Literature cited by the submitters: PubMed 16199547; PubMed 20513142.

NM_002397.5(MEF2C):c.258+1G>A

Gene: MEF2C (myocyte enhancer factor 2C; minus strand). Cytogenetic location: 5q14.3.
Variant type: single nucleotide variant.
Coding change: c.258+1G>A on transcript NM_002397.5 (MANE Select); the canonical splice donor site of the intron after coding-DNA position 258, G replaced by A.
Molecular consequence: splice donor variant.
Genome position (GRCh38, 1-based): chr5:88,804,597, C>T on the plus strand (G>A on the coding strand, the complement: MEF2C is on the minus strand). VCF-style: chr5-88804597-C-T. GRCh37 (hg19) VCF-style: chr5-88100414-C-T.
Other names: c.258+1G>A (NM_001364329.2, NM_001364330.2, NM_001364333.2 and 29 more transcripts).
Identifiers: ClinVar variation 946564 (VCV000946564.10), dbSNP rs1064797310, ClinGen allele CA360424753.